The following is an entry in ClinVar:

ClinVar aggregate classification (germline): Uncertain significance (1 of 4 stars; one submission).

Submission:

Labcorp Genetics (formerly Invitae), Labcorp
Classification: Uncertain significance. Last evaluated: 2022-08-12. Review status: criteria provided, single submitter. Criteria: Invitae Variant Classification Sherloc (09022015). Collection method: clinical testing. Allele origin: germline.
Comment: A copy number gain of the genomic region encompassing the full coding sequence of the FGF23 gene has been identified. The boundaries of this event are unknown as they extend beyond the assayed region for this gene and therefore may encompass additional genes. As the precise location of this event is unknown, it may be in tandem or it may be located elsewhere in the genome. This variant has not been reported in the literature in individuals affected with FGF23-related conditions. In summary, the available evidence is currently insufficient to determine the role of this variant in disease. Therefore, it has been classified as a Variant of Uncertain Significance.

NC_000012.11:g.(?_4479509)_(4488748_?)dup

Gene: FGF23 (fibroblast growth factor 23; minus strand). Cytogenetic location: 12p13.32.
Variant type: Duplication.
Identifiers: ClinVar variation 2426570 (VCV002426570.1).